The following is an entry in ClinVar:

NM_001127898.4(CLCN5):c.1828G>A (p.Ala610Thr)

Genes: CLCN5 (chloride voltage-gated channel 5; plus strand), LOC126863258 (BRD4-independent group 4 enhancer GRCh37_chrX:49854497-49855696; plus strand). Cytogenetic location: Xp11.23.
Variant type: single nucleotide variant.
Coding change: c.1828G>A on transcript NM_001127898.4 (MANE Select); coding-DNA position 1828, G replaced by A.
Protein change: p.Ala610Thr; replaces alanine 610 with threonine.
Molecular consequence: missense variant.
Genome position (GRCh38, 1-based): chrX:50,090,199, G>A. VCF-style: chrX-50090199-G-A. GRCh37 (hg19) VCF-style: chrX-49854856-G-A.
Other names: c.1618G>A, p.Ala540Thr (NM_000084.5); c.1828G>A, p.Ala610Thr (NM_001127899.4); c.1678G>A, p.Ala560Thr (NM_001282163.2); c.1618G>A (NM_000084.2); short protein forms A610T, A540T, A560T.
Identifiers: ClinVar variation 64374 (VCV000064374.3), dbSNP rs387907403, ClinGen allele CA215997.
Genomic context (GRCh38, chrX:50,090,199, plus strand): 5'-TCTCTTGTTGTCATAATGTTTGAACTGACTGGTGGCTTAGAATACATCGTGCCTCTGATG[G>A]CTGCAGCCATGACAAGCAAGTGGGTGGCAGATGCTCTTGGGCGGGAGGGCATCTATGATG-3'
Protein context (NP_001121370.1, residues 600-620): GGLEYIVPLM[Ala610Thr]AAMTSKWVAD

ClinVar aggregate classification (germline): Uncertain significance. Review status: criteria provided, single submitter (1 of 4 stars). 2 submissions from 2 submitters: Uncertain significance (1). 1 of the submissions does not count toward it. Last evaluated 2022-10-03.

Allele frequency attached by ClinVar (database versions not stated): gnomAD exomes below 0.00001 and 0.00002; ExAC 0.00002; gnomAD 0.00002 and 0.00003; TOPMed below 0.00001; 1000 Genomes Project 30x 0.00021; 1000 Genomes Project 0.00026.
gnomAD v4.1: 8 of 1,209,590 alleles (0.00066%); highest among the groups gnomAD compares: Admixed American, 0.013%; no homozygotes.

Submissions (2):

GeneDx
Classification: Uncertain significance. Last evaluated: 2022-10-03. Review status: criteria provided, single submitter. Criteria: GeneDx Variant Classification Process June 2021. Collection method: clinical testing. Allele origin: germline. Affected: yes.
Comment: Missense variants in this gene are often considered pathogenic (HGMD); In silico analysis supports that this missense variant does not alter protein structure/function; Has not been previously published as pathogenic or benign to our knowledge

Martin Pollak Laboratory,  Beth Israel Deaconess Medical Center
Classification: Uncertain significance. Review status: no assertion criteria provided. Collection method: not provided. Allele origin: unknown. Not counted in ClinVar's aggregate classification.
Comment: Lower UCa2+ group
ClinVar note: Converted during submission from unknown to Uncertain significance.